The following is an entry in ClinVar:

NM_002519.3(NPAT):c.95C>T (p.Ser32Leu)

Gene: NPAT (nuclear protein, coactivator of histone transcription; minus strand). Cytogenetic location: 11q22.3.
Variant type: single nucleotide variant.
Coding change: c.95C>T on transcript NM_002519.3 (MANE Select); coding-DNA position 95, C replaced by T.
Protein change: p.Ser32Leu; replaces serine 32 with leucine.
Molecular consequence: missense variant.
Genome position (GRCh38, 1-based): chr11:108,197,363, G>A on the plus strand (C>T on the coding strand, the complement: NPAT is on the minus strand). VCF-style: chr11-108197363-G-A. GRCh37 (hg19) VCF-style: chr11-108068090-G-A.
Other names: c.95C>T, p.Ser32Leu (NM_001321307.1); short protein forms S32L.
Identifiers: ClinVar variation 2496697 (VCV002496697.2), dbSNP rs2078233004, ClinGen allele CA382528345.
Genomic context (GRCh38, chr11:108,197,363, plus strand): 5'-AGTAAGCAGGCTGGAATAAACCCTTCATCTGTACAATGTTCTGCATATTCTTTTAAATCT[G>A]AACTTTCCAAAATAAAAGTCTGGCAGGTAGAAATGAGGTTTTCTTGCTGTAAGTAACCTA-3'
Protein context (NP_002510.2, residues 22-42): STCQTFILES[Ser32Leu]DLKEYAEHCT

ClinVar aggregate classification (germline): Uncertain significance (1 of 4 stars; one submission).

Allele frequency attached by ClinVar (database versions not stated): gnomAD exomes below 0.00001; gnomAD 0.00001; TOPMed 0.00001.
gnomAD v4.1: 5 of 1,613,412 alleles (0.00031%); highest among the groups gnomAD compares: Non-Finnish European, 0.00042%; no homozygotes.

Submission:

Ambry Genetics
Classification: Uncertain significance. Last evaluated: 2022-11-13. Review status: criteria provided, single submitter. Criteria: Ambry Variant Classification Scheme 2023. Collection method: clinical testing. Allele origin: germline.
Comment: The p.S32L variant (also known as c.95C>T), located in coding exon 2 of the NPAT gene, results from a C to T substitution at nucleotide position 95. The serine at codon 32 is replaced by leucine, an amino acid with dissimilar properties. This amino acid position is conserved. In addition, this alteration is predicted to be tolerated by in silico analysis. Since supporting evidence is limited at this time, the clinical significance of this alteration remains unclear.